The following is an entry in ClinVar:

NM_000492.4(CFTR):c.1084T>G (p.Tyr362Asp)

Gene: CFTR (CF transmembrane conductance regulator; plus strand). Cytogenetic location: 7q31.2.
Variant type: single nucleotide variant.
Coding change: c.1084T>G on transcript NM_000492.4 (MANE Select); coding-DNA position 1084, T replaced by G.
Protein change: p.Tyr362Asp; replaces tyrosine 362 with aspartic acid.
Molecular consequence: missense variant.
Genome position (GRCh38, 1-based): chr7:117,540,314, T>G. VCF-style: chr7-117540314-T-G. GRCh37 (hg19) VCF-style: chr7-117180368-T-G.
Other names: short protein forms Y362D.
Identifiers: ClinVar variation 1787364 (VCV001787364.2), dbSNP rs2485027204, ClinGen allele CA368979015.
Genomic context (GRCh38, chr7:117,540,314, plus strand): 5'-TTCTGCATTGTTCTGCGCATGGCGGTCACTCGGCAATTTCCCTGGGCTGTACAAACATGG[T>G]ATGACTCTCTTGGAGCAATAAACAAAATACAGGTAATGTACCATAATGCTGCATTATATA-3'
Protein context (NP_000483.3, residues 352-372): RQFPWAVQTW[Tyr362Asp]DSLGAINKIQ

ClinVar aggregate classification (germline): Uncertain significance (1 of 4 stars; one submission).

Conditions:
Cystic fibrosis (CF). Also called: MUCOVISCIDOSIS. Identifiers: Orphanet 586, MedGen C0010674, MONDO:0009061, OMIM 219700. Disease mechanism: loss of function.

Submission:

Ambry Genetics
Classification: Uncertain significance for Cystic fibrosis. Last evaluated: 2021-11-03. Review status: criteria provided, single submitter. Criteria: Ambry Variant Classification Scheme 2023. Collection method: clinical testing. Allele origin: germline.
Comment: The p.Y362D variant (also known as c.1084T>G), located in coding exon 8 of the CFTR gene, results from a T to G substitution at nucleotide position 1084. The tyrosine at codon 362 is replaced by aspartic acid, an amino acid with highly dissimilar properties. This amino acid position is conserved. In addition, this alteration is predicted to be deleterious by in silico analysis. Since supporting evidence is limited at this time, the clinical significance of this alteration remains unclear.